The following is an entry in ClinVar:

ClinVar aggregate classification (germline): Conflicting classifications of pathogenicity. Review status: criteria provided, conflicting classifications (1 of 4 stars). 3 submissions from 3 submitters: Uncertain significance (1); Benign (1). 1 of the submissions does not count toward it. Last evaluated 2026-01-27.
ClinVar aggregate classification (somatic clinical impact): Tier III - Unknown (1 of 4 stars; one submission).

Conditions:
Choanal atresia-athelia-hypothyroidism-delayed puberty-short stature syndrome (BCAHH). Also called: BRANCHIAL ARCH ABNORMALITIES, CHOANAL ATRESIA, ATHELIA, HEARING LOSS, AND HYPOTHYROIDISM SYNDROME. Identifiers: Orphanet 589856, MedGen C5680310, MONDO:0035651, OMIM 620186.
Kabuki syndrome 1 (KABUK1). Also called: KMT2D-Related Kabuki Syndrome. Identifiers: Orphanet 2322, MedGen CN030661, MONDO:0007843, OMIM 147920.
KMT2D-related disorder. Also called: KMT2D-Related Disorders.
Kabuki syndrome. Also called: NIIKAWA-KUROKI SYNDROME; Kabuki make-up syndrome. Identifiers: Orphanet 2322, MedGen C0796004, MONDO:0016512.
Primary central nervous system lymphoma. Identifiers: Orphanet 46135, MedGen C0280803, MONDO:0002571, HP:0030069.

Allele frequency attached by ClinVar (database versions not stated): gnomAD 0.00001; gnomAD exomes 0.00001; ExAC 0.00005; ESP Exome Variant Server 0.00008.
gnomAD v4.1: 22 of 1,613,430 alleles (0.0014%); highest among the groups gnomAD compares: East Asian, 0.0022%; no homozygotes.

Submissions (4):

Labcorp Genetics (formerly Invitae), Labcorp
Classification: Benign for Kabuki syndrome. Last evaluated: 2026-01-27. Review status: criteria provided, single submitter. Criteria: Invitae Variant Classification Sherloc (09022015). Collection method: clinical testing. Allele origin: germline.

Fulgent Genetics
Classification: Uncertain significance for Kabuki syndrome 1; Choanal atresia-athelia-hypothyroidism-delayed puberty-short stature syndrome. Last evaluated: 2023-12-27. Review status: criteria provided, single submitter. Criteria: ACMG Guidelines, 2015. Collection method: clinical testing. Allele origin: germline.

National Institute of Cancer Research, National Health Research Institutes
Classification: Tier III - Unknown for Primary central nervous system lymphoma. Review status: criteria provided, single submitter. Criteria: AMP/ASCO/CAP Guidelines, 2017. Collection method: clinical testing. Allele origin: somatic. Affected: yes.

PreventionGenetics, part of Exact Sciences
Classification: Uncertain significance for KMT2D-related condition. Last evaluated: 2023-11-21. Review status: no assertion criteria provided. Collection method: clinical testing. Allele origin: germline. Not counted in ClinVar's aggregate classification.
Comment: The KMT2D c.6283C>T variant is predicted to result in the amino acid substitution p.Arg2095Cys. To our knowledge, this variant has not been reported in the literature. This variant is reported in 0.0080% of alleles in individuals of European (Finnish) descent in gnomAD. At this time, the clinical significance of this variant is uncertain due to the absence of conclusive functional and genetic evidence.

NM_003482.4(KMT2D):c.6283C>T (p.Arg2095Cys)

Gene: KMT2D (lysine methyltransferase 2D; minus strand). Cytogenetic location: 12q13.12.
Variant type: single nucleotide variant.
Coding change: c.6283C>T on transcript NM_003482.4 (MANE Select); coding-DNA position 6283, C replaced by T.
Protein change: p.Arg2095Cys; replaces arginine 2095 with cysteine.
Molecular consequence: missense variant.
Genome position (GRCh38, 1-based): chr12:49,041,487, G>A on the plus strand (C>T on the coding strand, the complement: KMT2D is on the minus strand). VCF-style: chr12-49041487-G-A. GRCh37 (hg19) VCF-style: chr12-49435270-G-A.
Other names: short protein forms R2095C.
Identifiers: ClinVar variation 3031360 (VCV003031360.5), dbSNP rs376062022, ClinGen allele CA6547304.